The following is an entry in ClinVar:

NM_001199397.3(NEK1):c.3404A>T (p.Gln1135Leu)

Gene: NEK1 (NIMA related kinase 1; minus strand). Cytogenetic location: 4q33.
Variant type: single nucleotide variant.
Coding change: c.3404A>T on transcript NM_001199397.3 (MANE Select); coding-DNA position 3404, A replaced by T.
Protein change: p.Gln1135Leu; replaces glutamine 1135 with leucine.
Molecular consequence: missense variant. On other transcripts: non-coding transcript variant (1).
Genome position (GRCh38, 1-based): chr4:169,401,831, T>A on the plus strand (A>T on the coding strand, the complement: NEK1 is on the minus strand). VCF-style: chr4-169401831-T-A. GRCh37 (hg19) VCF-style: chr4-170322982-T-A.
Other names: c.3272A>T, p.Gln1091Leu (NM_001199398.3); c.3113A>T, p.Gln1038Leu (NM_001199399.3); c.3188A>T, p.Gln1063Leu (NM_001199400.3); c.3404A>T, p.Gln1135Leu (NM_001374418.1); c.3320A>T, p.Gln1107Leu (NM_001374419.1, NM_012224.4); c.3269A>T, p.Gln1090Leu (NM_001374420.1); c.2921A>T, p.Gln974Leu (NM_001374421.1); short protein forms Q1038L, Q1063L, Q1090L, Q1091L, Q1107L, Q1135L, Q974L.
Identifiers: ClinVar variation 3349588 (VCV003349588.2).
Genomic context (GRCh38, chr4:169,401,831, plus strand): 5'-TCACTGTATTCTTCACCAGGTTGTTCCCTAAGTAACTGTTCCATCGAGGCCTGCAGCTCT[T>A]GTAAATCTGTGTCAGTTTCTTCAAACACACTGAAATTTAAAAAGTATAACTAAAAGTTTC-3'
Protein context (NP_001186326.1, residues 1125-1145): IVFEETDTDL[Gln1135Leu]ELQASMEQLL

ClinVar aggregate classification (germline): Uncertain significance. Review status: criteria provided, single submitter (1 of 4 stars). 2 submissions from 2 submitters: Uncertain significance (1). 1 of the submissions does not count toward it. Last evaluated 2025-01-01.

Conditions:
NEK1-related disorder. Also called: NEK1-related condition.
Inborn genetic diseases. Identifiers: MedGen C0950123, MeSH D030342.

gnomAD v4.1: 27 of 1,612,478 alleles (0.0017%); highest among the groups gnomAD compares: Non-Finnish European, 0.0022%; no homozygotes.

Submissions (2):

Ambry Genetics
Classification: Uncertain significance for Inborn genetic diseases. Last evaluated: 2025-01-01. Review status: criteria provided, single submitter. Criteria: Ambry Variant Classification Scheme 2023. Collection method: clinical testing. Allele origin: germline.

PreventionGenetics, part of Exact Sciences
Classification: Uncertain significance for NEK1-related condition. Last evaluated: 2024-02-19. Review status: no assertion criteria provided. Collection method: clinical testing. Allele origin: germline. Not counted in ClinVar's aggregate classification.
Comment: The NEK1 c.3320A>T variant is predicted to result in the amino acid substitution p.Gln1107Leu. To our knowledge, this variant has not been reported in the literature. This variant is reported in 0.0041% of alleles in individuals of African descent in gnomAD. At this time, the clinical significance of this variant is uncertain due to the absence of conclusive functional and genetic evidence.